The following is an entry in ClinVar:

ClinVar aggregate classification (germline): Pathogenic (1 of 4 stars; one submission).

Submission:

Labcorp Genetics (formerly Invitae), Labcorp
Classification: Pathogenic. Last evaluated: 2022-03-10. Review status: criteria provided, single submitter. Criteria: Invitae Variant Classification Sherloc (09022015). Collection method: clinical testing. Allele origin: germline.
Comment: For these reasons, this variant has been classified as Pathogenic. This variant has not been reported in the literature in individuals affected with CHM-related conditions. This variant is not present in population databases (gnomAD no frequency). This sequence change creates a premature translational stop signal (p.Ser413Asnfs*6) in the CHM gene. It is expected to result in an absent or disrupted protein product. Loss-of-function variants in CHM are known to be pathogenic (PMID: 9067750, 23811034).

Literature cited by the submitters: PubMed 9067750; PubMed 23811034.

NM_000390.4(CHM):c.1237_1243del (p.Ser413fs)

Gene: CHM (CHM Rab escort protein; minus strand). Cytogenetic location: Xq21.2.
Variant type: Deletion.
Coding change: c.1237_1243del on transcript NM_000390.4 (MANE Select); coding-DNA positions 1237 to 1243, 7 bases deleted (TCCAGAA; older notation c.1237_1243delTCCAGAA).
Protein change: p.Ser413fs; shifts the reading frame from serine 413.
Molecular consequence: frameshift variant.
Genome position (GRCh38, 1-based): chrX:85,911,262-85,911,268, TTCTGGA deleted on the plus strand (TCCAGAA on the coding strand, the reverse complement: CHM is on the minus strand); deleting any 7 consecutive bases within chrX:85,911,262-85,911,272 gives the same sequence; the c. name uses the placement nearest the transcript's 3' end. VCF-style (leftmost placement, unchanged base first): chrX-85911261-TTTCTGGA-T. GRCh37 (hg19) VCF-style: chrX-85166266-TTTCTGGA-T.
Other names: c.793_799del, p.Ser265fs (NM_001320959.1, NM_001362517.1, NM_001362518.2 and 1 more transcripts); short protein forms S413fs, S265fs.
Identifiers: ClinVar variation 1452646 (VCV001452646.6), dbSNP rs2148168763, ClinGen allele CA2573159638.